The following is an entry in ClinVar:

ClinVar aggregate classification (germline): Uncertain significance (1 of 4 stars; one submission).

Conditions:
Kabuki syndrome. Also called: Kabuki make-up syndrome; NIIKAWA-KUROKI SYNDROME. Identifiers: Orphanet 2322, MedGen C0796004, MONDO:0016512.

Submissions (2):

Labcorp Genetics (formerly Invitae), Labcorp
Classification: Uncertain significance for Kabuki syndrome. Last evaluated: 2021-09-10. Review status: criteria provided, single submitter. Criteria: Invitae Variant Classification Sherloc (09022015). Collection method: clinical testing. Allele origin: germline.
Comment: This sequence change falls in intron 25 of the KMT2D gene. It does not directly change the encoded amino acid sequence of the KMT2D protein. It affects a nucleotide within the consensus splice site of the intron. This variant is not present in population databases (ExAC no frequency). This variant has not been reported in the literature in individuals affected with KMT2D-related conditions. Variants that disrupt the consensus splice site are a relatively common cause of aberrant splicing (PMID: 17576681, 9536098). Algorithms developed to predict the effect of sequence changes on RNA splicing suggest that this variant may disrupt the consensus splice site. In summary, the available evidence is currently insufficient to determine the role of this variant in disease. Therefore, it has been classified as a Variant of Uncertain Significance.

Dr. Peter K. Rogan Lab, Western University
No classification provided (evidence only). Condition: Ovarian serous cystadenocarcinoma. Review status: no classification provided. Collection method: in vitro. Allele origin: not applicable. Functional consequence: retained intron. Not counted in ClinVar's aggregate classification.

Literature cited by the submitters: PubMed 17576681 (cited by Labcorp Genetics (formerly Invitae), Labcorp); PubMed 9536098 (cited by Labcorp Genetics (formerly Invitae), Labcorp).

NM_003482.4(KMT2D):c.5644+5G>T

Gene: KMT2D (lysine methyltransferase 2D; minus strand). Cytogenetic location: 12q13.12.
Variant type: single nucleotide variant.
Coding change: c.5644+5G>T on transcript NM_003482.4 (MANE Select); 5 bases into the intron after coding-DNA position 5644, G replaced by T.
Molecular consequence: intron variant.
Genome position (GRCh38, 1-based): chr12:49,043,071, C>A on the plus strand (G>T on the coding strand, the complement: KMT2D is on the minus strand). VCF-style: chr12-49043071-C-A. GRCh37 (hg19) VCF-style: chr12-49436854-C-A.
Identifiers: ClinVar variation 1352222 (VCV001352222.7), dbSNP rs2120563184, ClinGen allele CA2573148655.